The following is an entry in ClinVar:

ClinVar aggregate classification (germline): Uncertain significance (1 of 4 stars; one submission).

Conditions:
Kabuki syndrome 2 (KABUK2). Also called: KDM6A-Related Kabuki Syndrome. Identifiers: Orphanet 2322, MedGen C3275495, MONDO:0010465, OMIM 300867.

Submission:

Labcorp Genetics (formerly Invitae), Labcorp
Classification: Uncertain significance for Kabuki syndrome 2. Last evaluated: 2025-01-22. Review status: criteria provided, single submitter. Criteria: Invitae Variant Classification Sherloc (09022015). Collection method: clinical testing. Allele origin: germline.
Comment: This sequence change replaces glycine, which is neutral and non-polar, with valine, which is neutral and non-polar, at codon 174 of the KDM6A protein (p.Gly174Val). This variant is not present in population databases (gnomAD no frequency). This variant has not been reported in the literature in individuals affected with KDM6A-related conditions. Invitae Evidence Modeling of protein sequence and biophysical properties (such as structural, functional, and spatial information, amino acid conservation, physicochemical variation, residue mobility, and thermodynamic stability) indicates that this missense variant is expected to disrupt KDM6A protein function with a positive predictive value of 80%. In summary, the available evidence is currently insufficient to determine the role of this variant in disease. Therefore, it has been classified as a Variant of Uncertain Significance.

NM_001291415.2(KDM6A):c.521G>T (p.Gly174Val)

Gene: KDM6A (lysine demethylase 6A; plus strand). Cytogenetic location: Xp11.3.
Variant type: single nucleotide variant.
Coding change: c.521G>T on transcript NM_001291415.2 (MANE Select); coding-DNA position 521, G replaced by T.
Protein change: p.Gly174Val; replaces glycine 174 with valine.
Molecular consequence: missense variant. On other transcripts: non-coding transcript variant (1), intron variant (1).
Genome position (GRCh38, 1-based): chrX:45,020,687, G>T. VCF-style: chrX-45020687-G-T. GRCh37 (hg19) VCF-style: chrX-44879932-G-T.
Other names: c.521G>T, p.Gly174Val (NM_001291416.2, NM_001291417.2, NM_001291418.2 and 9 more transcripts); c.-190+9668G>T (NM_001291421.2); short protein forms G174V.
Identifiers: ClinVar variation 3664611 (VCV003664611.2).